The following is an entry in ClinVar:

NM_000435.3(NOTCH3):c.3946C>T (p.Pro1316Ser)

Gene: NOTCH3 (notch receptor 3; minus strand). Cytogenetic location: 19p13.12.
Variant type: single nucleotide variant.
Coding change: c.3946C>T on transcript NM_000435.3 (MANE Select); coding-DNA position 3946, C replaced by T.
Protein change: p.Pro1316Ser; replaces proline 1316 with serine.
Molecular consequence: missense variant.
Genome position (GRCh38, 1-based): chr19:15,177,982, G>A on the plus strand (C>T on the coding strand, the complement: NOTCH3 is on the minus strand). VCF-style: chr19-15177982-G-A. GRCh37 (hg19) VCF-style: chr19-15288793-G-A.
Other names: short protein forms P1316S.
Identifiers: ClinVar variation 1691579 (VCV001691579.4), dbSNP rs1173886086, ClinGen allele CA404505985.

ClinVar aggregate classification (germline): Uncertain significance. Review status: criteria provided, multiple submitters, no conflicts (2 of 4 stars). 2 submissions from 2 submitters: Uncertain significance (2). Last evaluated 2025-05-11.

Allele frequency attached by ClinVar (database versions not stated): TOPMed below 0.00001; gnomAD 0.00001; gnomAD exomes 0.00001.
gnomAD v4.1: 14 of 1,429,658 alleles (0.00098%); highest among the groups gnomAD compares: African/African-American, 0.003%; no homozygotes.

Submissions (2):

Labcorp Genetics (formerly Invitae), Labcorp
Classification: Uncertain significance. Last evaluated: 2025-05-11. Review status: criteria provided, single submitter. Criteria: Invitae Variant Classification Sherloc (09022015). Collection method: clinical testing. Allele origin: germline.
Comment: This sequence change replaces proline, which is neutral and non-polar, with serine, which is neutral and polar, at codon 1316 of the NOTCH3 protein (p.Pro1316Ser). This variant is not present in population databases (gnomAD no frequency). This variant has not been reported in the literature in individuals affected with NOTCH3-related conditions. ClinVar contains an entry for this variant (Variation ID: 1691579). Invitae Evidence Modeling of protein sequence and biophysical properties (such as structural, functional, and spatial information, amino acid conservation, physicochemical variation, residue mobility, and thermodynamic stability) indicates that this missense variant is not expected to disrupt NOTCH3 protein function with a negative predictive value of 95%. In summary, the available evidence is currently insufficient to determine the role of this variant in disease. Therefore, it has been classified as a Variant of Uncertain Significance.

GeneDx
Classification: Uncertain significance. Last evaluated: 2021-12-11. Review status: criteria provided, single submitter. Criteria: GeneDx Variant Classification Process June 2021. Collection method: clinical testing. Allele origin: germline. Affected: yes.
Comment: In silico analysis supports that this missense variant has a deleterious effect on protein structure/function; Reported in a patient with Alzheimer's disease in published literature (Guo et al., 2021); however, specific clinical information was not provided; This variant is associated with the following publications: (PMID: 33942994)